The following is an entry in ClinVar:

NM_021954.4(GJA3):c.-17-234_-17-233insAGGAA

Gene: GJA3 (gap junction protein alpha 3; minus strand). Cytogenetic location: 13q12.11.
Variant type: Insertion.
Coding change: c.-17-234_-17-233insAGGAA on transcript NM_021954.4 (MANE Select); 234 bases into the intron before 17 bases upstream of the start codon through 233 bases into the intron before 17 bases upstream of the start codon, AGGAA inserted.
Molecular consequence: intron variant.
Genome position: GRCh38 VCF-style: chr13-20143538-C-CTTCCT. GRCh37 (hg19) VCF-style: chr13-20717677-C-CTTCCT.
Identifiers: ClinVar variation 1706969 (VCV001706969.2), dbSNP rs531542144, ClinGen allele CA608566147.
Genomic context (GRCh38, chr13:20,143,538, plus strand): 5'-GCAAGCGTCCATGAGGAACCACAGGTTAAACTCTTCATTTCAGAGAGGAGGAAGCCAGAG[C>CTTCCT]CAGAAGAGAAAATGCCCTCCTCTGGCCTCCAGACTGCTCAAGCCCTCTCCCTGAGGCTGA-3'

ClinVar aggregate classification (germline): Likely benign (1 of 4 stars; one submission).

Allele frequency attached by ClinVar (database versions not stated): gnomAD 0.00617; 1000 Genomes Project 30x 0.00796.

Submission:

GeneDx
Classification: Likely benign. Last evaluated: 2021-10-19. Review status: criteria provided, single submitter. Criteria: GeneDx Variant Classification Process June 2021. Collection method: clinical testing. Allele origin: germline. Affected: yes.
Comment: See Variant Classification Assertion Criteria.